The following is an entry in ClinVar:

NM_006379.5(SEMA3C):c.797G>A (p.Cys266Tyr)

Gene: SEMA3C (semaphorin 3C; minus strand). Cytogenetic location: 7q21.11.
Variant type: single nucleotide variant.
Coding change: c.797G>A on transcript NM_006379.5 (MANE Select); coding-DNA position 797, G replaced by A.
Protein change: p.Cys266Tyr; replaces cysteine 266 with tyrosine.
Molecular consequence: missense variant.
Genome position (GRCh38, 1-based): chr7:80,804,110, C>T on the plus strand (G>A on the coding strand, the complement: SEMA3C is on the minus strand). VCF-style: chr7-80804110-C-T. GRCh37 (hg19) VCF-style: chr7-80433426-C-T.
Other names: c.851G>A, p.Cys284Tyr (NM_001350120.2); c.623G>A, p.Cys208Tyr (NM_001350121.2); short protein forms C266Y, C284Y, C208Y.
Identifiers: ClinVar variation 4986992 (VCV004986992.1).

ClinVar aggregate classification (germline): Uncertain significance (1 of 4 stars; one submission).

Conditions:
SEMA3C-related disorder. Also called: SEMA3C-related condition.

Submission:

PreventionGenetics, part of Exact Sciences
Classification: Uncertain significance for SEMA3C-related condition. Last evaluated: 2025-03-20. Review status: criteria provided, single submitter. Criteria: ACMG Guidelines, 2015. Collection method: clinical testing. Allele origin: germline.
Comment: The SEMA3C c.851G>A variant is predicted to result in the amino acid substitution p.Cys284Tyr. To our knowledge, this variant has not been reported in the literature or in a large population database (gnomAD), indicating this variant is rare. At this time, the clinical significance of this variant is uncertain due to the absence of conclusive functional and genetic evidence.